The following is an entry in ClinVar:

ClinVar aggregate classification (germline): Uncertain significance (1 of 4 stars; one submission).

Submission:

Ambry Genetics
Classification: Uncertain significance. Last evaluated: 2023-06-25. Review status: criteria provided, single submitter. Criteria: Ambry Variant Classification Scheme 2023. Collection method: clinical testing. Allele origin: germline.
Comment: The p.G2403D variant (also known as c.7208G>A), located in coding exon 26 of the POLQ gene, results from a G to A substitution at nucleotide position 7208. The glycine at codon 2403 is replaced by aspartic acid, an amino acid with similar properties. This amino acid position is conserved. In addition, the in silico prediction for this alteration is inconclusive. Since supporting evidence is limited at this time, the clinical significance of this alteration remains unclear.

NM_199420.4(POLQ):c.7208G>A (p.Gly2403Asp)

Gene: POLQ (DNA polymerase theta; minus strand). Cytogenetic location: 3q13.33.
Variant type: single nucleotide variant.
Coding change: c.7208G>A on transcript NM_199420.4 (MANE Select); coding-DNA position 7208, G replaced by A.
Protein change: p.Gly2403Asp; replaces glycine 2403 with aspartic acid.
Molecular consequence: missense variant.
Genome position (GRCh38, 1-based): chr3:121,449,371, C>T on the plus strand (G>A on the coding strand, the complement: POLQ is on the minus strand). VCF-style: chr3-121449371-C-T. GRCh37 (hg19) VCF-style: chr3-121168218-C-T.
Other names: short protein forms G2403D.
Identifiers: ClinVar variation 2624461 (VCV002624461.2), dbSNP rs772788007, ClinGen allele CA354102425.